The following is an entry in ClinVar:

NM_170606.3(KMT2C):c.13143A>G (p.Glu4381=)

Gene: KMT2C (lysine methyltransferase 2C; minus strand). Cytogenetic location: 7q36.1.
Variant type: single nucleotide variant.
Coding change: c.13143A>G on transcript NM_170606.3 (MANE Select); coding-DNA position 13143, A replaced by G.
Protein change: p.Glu4381=; no amino-acid change (glutamic acid 4381 retained).
Molecular consequence: synonymous variant.
Genome position (GRCh38, 1-based): chr7:152,148,784, T>C on the plus strand (A>G on the coding strand, the complement: KMT2C is on the minus strand). VCF-style: chr7-152148784-T-C. GRCh37 (hg19) VCF-style: chr7-151845869-T-C.
Identifiers: ClinVar variation 2152823 (VCV002152823.17), dbSNP rs763456325, ClinGen allele CA4578664.
Genomic context (GRCh38, chr7:152,148,784, plus strand): 5'-TTTCCGATAGTCTTTGGGCACAGGATCAGGTTTAAGGGAAGTGCCCAATTTCTTTAGAAA[T>C]TCATCTATTTCATCCTCACAAGGTGGTTTAAATGTCCCCTTAGGGATTACAATATGAATG-3'
Protein context (NP_733751.2, residues 4371-4391): FKPPCEDEID[Glu4381=]FLKKLGTSLK

ClinVar aggregate classification (germline): Benign/Likely benign. Review status: criteria provided, multiple submitters, no conflicts (2 of 4 stars). 2 submissions from 2 submitters: Benign (1); Likely benign (1). Last evaluated 2026-07-01.

Allele frequency attached by ClinVar (database versions not stated): gnomAD 0.00002; ExAC 0.00003; gnomAD exomes 0.00004; TOPMed 0.00006.
gnomAD v4.1: 58 of 1,614,124 alleles (0.0036%); highest among the groups gnomAD compares: Middle Eastern, 0.016%; no homozygotes.

Submissions (2):

CeGaT Center for Human Genetics Tuebingen
Classification: Likely benign. Last evaluated: 2026-07-01. Review status: criteria provided, single submitter. Criteria: CeGaT Center For Human Genetics Tuebingen Variant Classification Criteria Version 2. Collection method: clinical testing. Allele origin: germline. Affected: yes. Observed: 2 variant alleles.
Comment: KMT2C: BP4, BP7

Labcorp Genetics (formerly Invitae), Labcorp
Classification: Benign. Last evaluated: 2025-09-15. Review status: criteria provided, single submitter. Criteria: Invitae Variant Classification Sherloc (09022015). Collection method: clinical testing. Allele origin: germline.